The following is an entry in ClinVar:

NM_198578.4(LRRK2):c.4827+5G>T

Gene: LRRK2 (leucine rich repeat kinase 2; plus strand). Cytogenetic location: 12q12.
Variant type: single nucleotide variant.
Coding change: c.4827+5G>T on transcript NM_198578.4 (MANE Select); 5 bases into the intron after coding-DNA position 4827, G replaced by T.
Molecular consequence: intron variant.
Genome position (GRCh38, 1-based): chr12:40,315,305, G>T. VCF-style: chr12-40315305-G-T. GRCh37 (hg19) VCF-style: chr12-40709107-G-T.
Identifiers: ClinVar variation 2072375 (VCV002072375.4), dbSNP rs202247324, ClinGen allele CA6514285.

ClinVar aggregate classification (germline): Uncertain significance (1 of 4 stars; one submission).

Conditions:
Autosomal dominant Parkinson disease 8. Also called: LRRK2-Related Parkinson Disease; Parkinson disease 8; Parkinson disease 8, susceptibility to. Identifiers: Orphanet 411602, MedGen C1846862, MONDO:0011764, OMIM 607060.

Allele frequency attached by ClinVar (database versions not stated): TOPMed below 0.00001; ExAC 0.00001; gnomAD 0.00001.
gnomAD v4.1: 11 of 1,610,074 alleles (0.00068%); highest among the groups gnomAD compares: Non-Finnish European, 0.00085%; no homozygotes.

Submission:

Labcorp Genetics (formerly Invitae), Labcorp
Classification: Uncertain significance for Autosomal dominant Parkinson disease 8. Last evaluated: 2022-04-11. Review status: criteria provided, single submitter. Criteria: Invitae Variant Classification Sherloc (09022015). Collection method: clinical testing. Allele origin: germline.
Comment: In summary, the available evidence is currently insufficient to determine the role of this variant in disease. Therefore, it has been classified as a Variant of Uncertain Significance. Variants that disrupt the consensus splice site are a relatively common cause of aberrant splicing (PMID: 17576681, 9536098). Algorithms developed to predict the effect of sequence changes on RNA splicing suggest that this variant may disrupt the consensus splice site. This variant has not been reported in the literature in individuals affected with LRRK2-related conditions. This variant is present in population databases (rs202247324, gnomAD 0.0009%). This sequence change falls in intron 33 of the LRRK2 gene. It does not directly change the encoded amino acid sequence of the LRRK2 protein. It affects a nucleotide within the consensus splice site.

Literature cited by the submitters: PubMed 17576681; PubMed 9536098.